The following is an entry in ClinVar:

ClinVar aggregate classification (germline): Uncertain significance (1 of 4 stars; one submission).

Conditions:
Hereditary cancer-predisposing syndrome. Also called: Neoplastic Syndromes, Hereditary; Tumor predisposition; Hereditary Cancer Syndrome; Hereditary neoplastic syndrome. Identifiers: Orphanet 140162, MedGen C0027672, MeSH D009386, MONDO:0015356.

Submission:

Ambry Genetics
Classification: Uncertain significance for Hereditary cancer-predisposing syndrome. Last evaluated: 2026-02-20. Review status: criteria provided, single submitter. Criteria: Ambry Variant Classification Scheme 2023. Collection method: clinical testing. Allele origin: germline.
Comment: The p.M210I variant (also known as c.630G>T), located in coding exon 5 of the APC gene, results from a G to T substitution at nucleotide position 630. The methionine at codon 210 is replaced by isoleucine, an amino acid with highly similar properties. This amino acid position is conserved. In addition, in silico predictors for this gene do not accurately predict pathogenicity. Based on the available evidence, the clinical significance of this variant remains unclear.

NM_000038.6(APC):c.630G>T (p.Met210Ile)

Gene: APC (APC regulator of Wnt signaling pathway; plus strand). Cytogenetic location: 5q22.2.
Variant type: single nucleotide variant.
Coding change: c.630G>T on transcript NM_000038.6 (MANE Select); coding-DNA position 630, G replaced by T.
Protein change: p.Met210Ile; replaces methionine 210 with isoleucine.
Molecular consequence: missense variant. On other transcripts: 5 prime UTR variant (4), non-coding transcript variant (2).
Genome position (GRCh38, 1-based): chr5:112,780,888, G>T. VCF-style: chr5-112780888-G-T. GRCh37 (hg19) VCF-style: chr5-112116585-G-T.
Other names: c.630G>T, p.Met210Ile (NM_001127510.3, NM_001354895.2, NM_001354896.2 and 16 more transcripts); c.660G>T, p.Met220Ile (NM_001127511.3, NM_001354897.2, NM_001354902.2 and 1 more transcripts); c.555G>T, p.Met185Ile (NM_001354898.2, NM_001354904.2, NM_001407451.1); c.453G>T, p.Met151Ile (NM_001354900.2, NM_001354901.2, NM_001354905.2 and 1 more transcripts); c.-406G>T (NM_001354906.2, NM_001407470.1, NM_001407471.1 and 1 more transcripts); short protein forms M185I, M220I, M210I, M151I.
Identifiers: ClinVar variation 4825056 (VCV004825056.1).